The following is an entry in ClinVar:

NM_005450.6(NOG):c.48G>A (p.Val16=)

Gene: NOG (noggin; plus strand). Cytogenetic location: 17q22.
Variant type: single nucleotide variant.
Coding change: c.48G>A on transcript NM_005450.6 (MANE Select); coding-DNA position 48, G replaced by A.
Protein change: p.Val16=; no amino-acid change (valine 16 retained).
Molecular consequence: synonymous variant.
Genome position (GRCh38, 1-based): chr17:56,594,271, G>A. VCF-style: chr17-56594271-G-A. GRCh37 (hg19) VCF-style: chr17-54671632-G-A.
Identifiers: ClinVar variation 2854882 (VCV002854882.3), dbSNP rs757125599, ClinGen allele CA500985301.

ClinVar aggregate classification (germline): Uncertain significance (1 of 4 stars; one submission).

Submission:

Labcorp Genetics (formerly Invitae), Labcorp
Classification: Uncertain significance. Last evaluated: 2023-04-10. Review status: criteria provided, single submitter. Criteria: Invitae Variant Classification Sherloc (09022015). Collection method: clinical testing. Allele origin: germline.
Comment: In summary, the available evidence is currently insufficient to determine the role of this variant in disease. Therefore, it has been classified as a Variant of Uncertain Significance. This variant has not been reported in the literature in individuals affected with NOG-related conditions. This variant is not present in population databases (gnomAD no frequency). This sequence change affects codon 16 of the NOG mRNA. It is a 'silent' change, meaning that it does not change the encoded amino acid sequence of the NOG protein.